The following is an entry in ClinVar:

NM_153026.3(PRICKLE1):c.2262C>G (p.Leu754=)

Gene: PRICKLE1 (prickle planar cell polarity protein 1; minus strand). Cytogenetic location: 12q12.
Variant type: single nucleotide variant.
Coding change: c.2262C>G on transcript NM_153026.3 (MANE Select); coding-DNA position 2262, C replaced by G.
Protein change: p.Leu754=; no amino-acid change (leucine 754 retained).
Molecular consequence: synonymous variant.
Genome position (GRCh38, 1-based): chr12:42,460,043, G>C on the plus strand (C>G on the coding strand, the complement: PRICKLE1 is on the minus strand). VCF-style: chr12-42460043-G-C. GRCh37 (hg19) VCF-style: chr12-42853845-G-C.
Other names: p.L754L:CTC>CTG; c.2262C>G, p.Leu754= (NM_001144881.2, NM_001144882.2, NM_001144883.2).
Identifiers: ClinVar variation 167530 (VCV000167530.13), dbSNP rs727504104, ClinGen allele CA234718.

ClinVar aggregate classification (germline): Conflicting classifications of pathogenicity. Review status: criteria provided, conflicting classifications (1 of 4 stars). 4 submissions from 4 submitters: Uncertain significance (1); Benign (1); Likely benign (2). Last evaluated 2024-09-23.

Conditions:
Epilepsy, progressive myoclonic, 1B. Also called: PME. Identifiers: Orphanet 308, MedGen C2676254, MONDO:0012904, OMIM 612437.

Allele frequency attached by ClinVar (database versions not stated): ExAC 0.00001; gnomAD 0.00001; gnomAD exomes 0.00002; TOPMed 0.00002.
gnomAD v4.1: 29 of 1,613,996 alleles (0.0018%); highest among the groups gnomAD compares: Middle Eastern, 0.31%; no homozygotes.

Submissions (4):

Labcorp Genetics (formerly Invitae), Labcorp
Classification: Likely benign for Epilepsy, progressive myoclonic, 1B. Last evaluated: 2024-09-23. Review status: criteria provided, single submitter. Criteria: Invitae Variant Classification Sherloc (09022015). Collection method: clinical testing. Allele origin: germline.

Blueprint Genetics
Classification: Likely benign. Last evaluated: 2024-02-06. Review status: criteria provided, single submitter. Criteria: ACMG Guidelines, 2015. Collection method: clinical testing. Allele origin: germline.

GeneDx
Classification: Benign. Last evaluated: 2014-06-19. Review status: criteria provided, single submitter. Criteria: GeneDx Variant Classification (06012015). Collection method: clinical testing. Allele origin: germline. Affected: yes.
Comment: This variant is considered likely benign or benign based on one or more of the following criteria: it is a conservative change, it occurs at a poorly conserved position in the protein, it is predicted to be benign by multiple in silico algorithms, and/or has population frequency not consistent with disease.

Eurofins Ntd Llc (ga)
Classification: Uncertain significance. Last evaluated: 2014-03-06. Review status: criteria provided, single submitter. Criteria: EGL Classification Definitions 2015. Collection method: clinical testing. Allele origin: germline. Observed: 1 variant allele, 1 heterozygote.